The following is an entry in ClinVar:

ClinVar aggregate classification (germline): Conflicting classifications of pathogenicity. Review status: criteria provided, conflicting classifications (1 of 4 stars). 2 submissions from 2 submitters: Uncertain significance (1); Likely benign (1). Last evaluated 2025-05-18.

Conditions:
Hereditary cancer-predisposing syndrome. Also called: Tumor predisposition; Hereditary Cancer Syndrome; Hereditary neoplastic syndrome; Neoplastic Syndromes, Hereditary. Identifiers: Orphanet 140162, MedGen C0027672, MeSH D009386, MONDO:0015356.
Tuberous sclerosis 2 (TSC2). Identifiers: Orphanet 805, MedGen C1860707, MONDO:0013199, OMIM 613254.

Allele frequency attached by ClinVar (database versions not stated): gnomAD exomes below 0.00001; TOPMed 0.00001.
gnomAD v4.1: 2 of 1,614,062 alleles (0.00012%); highest among the groups gnomAD compares: Non-Finnish European, 0.00017%; no homozygotes.

Submissions (2):

Labcorp Genetics (formerly Invitae), Labcorp
Classification: Likely benign for Tuberous sclerosis 2. Last evaluated: 2025-05-18. Review status: criteria provided, single submitter. Criteria: Invitae Variant Classification Sherloc (09022015). Collection method: clinical testing. Allele origin: germline.

Ambry Genetics
Classification: Uncertain significance for Hereditary cancer-predisposing syndrome. Last evaluated: 2024-10-16. Review status: criteria provided, single submitter. Criteria: Ambry Variant Classification Scheme 2023. Collection method: clinical testing. Allele origin: germline.
Comment: The c.2098-3C>T intronic variant results from a C to T substitution 3 nucleotides upstream from coding exon 19 in the TSC2 gene. This nucleotide position is not well conserved in available vertebrate species. In silico splice site analysis for this alteration is inconclusive. Based on the available evidence, the clinical significance of this variant remains unclear.

NM_000548.5(TSC2):c.2098-3C>T

Gene: TSC2 (TSC complex subunit 2; plus strand). Cytogenetic location: 16p13.3.
Variant type: single nucleotide variant.
Coding change: c.2098-3C>T on transcript NM_000548.5 (MANE Select); 3 bases into the intron before coding-DNA position 2098, C replaced by T.
Molecular consequence: intron variant.
Genome position (GRCh38, 1-based): chr16:2,072,238, C>T. VCF-style: chr16-2072238-C-T. GRCh37 (hg19) VCF-style: chr16-2122239-C-T.
Other names: c.2098-3C>T (NM_001114382.3, NM_021055.3, NM_001370405.1 and 3 more transcripts); c.1987-3C>T (NM_001318827.2); c.1498-3C>T (NM_001318831.2); c.1951-3C>T (NM_001318829.2); c.2131-3C>T (NM_001318832.2).
Identifiers: ClinVar variation 233558 (VCV000233558.12), dbSNP rs876660489, ClinGen allele CA10579880.